The following is an entry in ClinVar:

NM_177924.5(ASAH1):c.818C>G (p.Thr273Ser)

Gene: ASAH1 (N-acylsphingosine amidohydrolase 1; minus strand). Cytogenetic location: 8p22.
Variant type: single nucleotide variant.
Coding change: c.818C>G on transcript NM_177924.5 (MANE Select); coding-DNA position 818, C replaced by G.
Protein change: p.Thr273Ser; replaces threonine 273 with serine.
Molecular consequence: missense variant.
Genome position (GRCh38, 1-based): chr8:18,059,671, G>C on the plus strand (C>G on the coding strand, the complement: ASAH1 is on the minus strand). VCF-style: chr8-18059671-G-C. GRCh37 (hg19) VCF-style: chr8-17917180-G-C.
Other names: c.800C>G, p.Thr267Ser (NM_001127505.3); c.623C>G, p.Thr208Ser (NM_001363743.2); c.866C>G, p.Thr289Ser (NM_004315.6); short protein forms T208S, T273S, T289S, T267S.
Identifiers: ClinVar variation 1376425 (VCV001376425.4), dbSNP rs1447494135, ClinGen allele CA370428277.
Genomic context (GRCh38, chr8:18,059,671, plus strand): 5'-ACACAACCTTCCCCAGACTGGTTGCCTCCCAGGATAAAGTAGGCTGGGGCCAATATCTTG[G>C]TCTTGGTCAATAAATTCTTGGCTTCTTCATAACTATATAGAAACATTTAAAAAGAAAAAT-3'
Protein context (NP_808592.2, residues 263-283): YEEAKNLLTK[Thr273Ser]KILAPAYFIL

ClinVar aggregate classification (germline): Uncertain significance (1 of 4 stars; one submission).

Allele frequency attached by ClinVar (database versions not stated): TOPMed below 0.00001; gnomAD 0.00001; gnomAD exomes 0.00001.
gnomAD v4.1: 21 of 1,613,982 alleles (0.0013%); highest among the groups gnomAD compares: East Asian, 0.045%; no homozygotes.

Submission:

Labcorp Genetics (formerly Invitae), Labcorp
Classification: Uncertain significance. Last evaluated: 2021-08-21. Review status: criteria provided, single submitter. Criteria: Invitae Variant Classification Sherloc (09022015). Collection method: clinical testing. Allele origin: germline.
Comment: In summary, the available evidence is currently insufficient to determine the role of this variant in disease. Therefore, it has been classified as a Variant of Uncertain Significance. Algorithms developed to predict the effect of missense changes on protein structure and function (SIFT, PolyPhen-2, Align-GVGD) all suggest that this variant is likely to be tolerated. This sequence change replaces threonine with serine at codon 273 of the ASAH1 protein (p.Thr273Ser). The threonine residue is highly conserved and there is a small physicochemical difference between threonine and serine. This variant is not present in population databases (ExAC no frequency). This variant has not been reported in the literature in individuals affected with ASAH1-related conditions.